The following is an entry in ClinVar:

ClinVar aggregate classification (germline): Uncertain significance (1 of 4 stars; one submission).

Conditions:
KBG syndrome (KBGS). Also called: ANKRD11-Related KBG Syndrome. Identifiers: Orphanet 2332, MedGen C0220687, MONDO:0007846, OMIM 148050.

gnomAD v4.1: 3 of 1,613,914 alleles (0.00019%); highest among the groups gnomAD compares: South Asian, 0.0022%; no homozygotes.

Submission:

Labcorp Genetics (formerly Invitae), Labcorp
Classification: Uncertain significance for KBG syndrome. Last evaluated: 2024-11-27. Review status: criteria provided, single submitter. Criteria: Invitae Variant Classification Sherloc (09022015). Collection method: clinical testing. Allele origin: germline.
Comment: This sequence change replaces glycine, which is neutral and non-polar, with arginine, which is basic and polar, at codon 644 of the ANKRD11 protein (p.Gly644Arg). This variant is not present in population databases (gnomAD no frequency). This variant has not been reported in the literature in individuals affected with ANKRD11-related conditions. Invitae Evidence Modeling of protein sequence and biophysical properties (such as structural, functional, and spatial information, amino acid conservation, physicochemical variation, residue mobility, and thermodynamic stability) indicates that this missense variant is not expected to disrupt ANKRD11 protein function with a negative predictive value of 95%. In summary, the available evidence is currently insufficient to determine the role of this variant in disease. Therefore, it has been classified as a Variant of Uncertain Significance.

NM_013275.6(ANKRD11):c.1930G>A (p.Gly644Arg)

Gene: ANKRD11 (ankyrin repeat domain 11; minus strand). Cytogenetic location: 16q24.3.
Variant type: single nucleotide variant.
Coding change: c.1930G>A on transcript NM_013275.6 (MANE Select); coding-DNA position 1930, G replaced by A.
Protein change: p.Gly644Arg; replaces glycine 644 with arginine.
Molecular consequence: missense variant.
Genome position (GRCh38, 1-based): chr16:89,284,612, C>T on the plus strand (G>A on the coding strand, the complement: ANKRD11 is on the minus strand). VCF-style: chr16-89284612-C-T. GRCh37 (hg19) VCF-style: chr16-89351020-C-T.
Other names: c.1930G>A, p.Gly644Arg (NM_001256182.2, NM_001256183.2); short protein forms G644R.
Identifiers: ClinVar variation 3637146 (VCV003637146.2).
Genomic context (GRCh38, chr16:89,284,612, plus strand): 5'-AGTCCTCATATTCGTAAGTAAAACTTTTCAACTTCAGCTCTTGGCTGATGGAACACTGTC[C>T]CTTCTCCTTGTTTTTGTGTTTGTGTTTTGTTTTATGTTTTTTGACAACTTTCCCCTCCTT-3'
Protein context (NP_037407.4, residues 634-654): TKHKHKNKEK[Gly644Arg]QCSISQELKL